The following is an entry in ClinVar:

NM_000051.4(ATM):c.4774del (p.Glu1592fs)

Gene: ATM (ATM serine/threonine kinase; plus strand). Cytogenetic location: 11q22.3.
Variant type: Deletion.
Coding change: c.4774del on transcript NM_000051.4 (MANE Select); coding-DNA position 4774, one base deleted (G; older notation c.4774delG).
Protein change: p.Glu1592fs; shifts the reading frame from glutamic acid 1592.
Molecular consequence: frameshift variant.
Genome position (GRCh38, 1-based): chr11:108,293,475, G deleted; the last of 2 consecutive G bases (chr11:108,293,474-108,293,475); deleting either gives the same sequence. VCF-style (leftmost placement, unchanged base first): chr11-108293473-TG-T. GRCh37 (hg19) VCF-style: chr11-108164200-TG-T.
Other names: c.4774del, p.Glu1592fs (NM_001351834.2); short protein forms E1592fs.
Identifiers: ClinVar variation 1451497 (VCV001451497.6), dbSNP rs2135814096, ClinGen allele CA2573146697.

ClinVar aggregate classification (germline): Pathogenic (1 of 4 stars; one submission).

Conditions:
Ataxia-telangiectasia syndrome (AT). Also called: Ataxia-telangiectasia; LOUIS-BAR SYNDROME; AT, COMPLEMENTATION GROUP C; Ataxia-telangiectasia, complementation group E; Ataxia telangiectasia (A-T); Cerebello-oculocutaneous telangiectasia. Identifiers: Orphanet 100, MedGen C0004135, MONDO:0008840, OMIM 208900.

Submission:

Labcorp Genetics (formerly Invitae), Labcorp
Classification: Pathogenic for Ataxia-telangiectasia syndrome. Last evaluated: 2021-02-27. Review status: criteria provided, single submitter. Criteria: Invitae Variant Classification Sherloc (09022015). Collection method: clinical testing. Allele origin: germline.
Comment: For these reasons, this variant has been classified as Pathogenic. This sequence change creates a premature translational stop signal (p.Glu1592Argfs*9) in the ATM gene. It is expected to result in an absent or disrupted protein product. Loss-of-function variants in ATM are known to be pathogenic (PMID: 23807571, 25614872). This variant is not present in population databases (ExAC no frequency). This variant has not been reported in the literature in individuals with ATM-related conditions.

Literature cited by the submitters: PubMed 23807571; PubMed 25614872.